The following is an entry in ClinVar:

ClinVar aggregate classification (germline): Benign/Likely benign. Review status: criteria provided, multiple submitters, no conflicts (2 of 4 stars). 6 submissions from 6 submitters: Benign (1); Likely benign (5). Last evaluated 2025-01-08.

Conditions:
Hereditary nonpolyposis colorectal neoplasms. Identifiers: MedGen C0009405, MeSH D003123.
Hereditary cancer-predisposing syndrome. Also called: Hereditary neoplastic syndrome; Neoplastic Syndromes, Hereditary; Tumor predisposition; Hereditary Cancer Syndrome. Identifiers: Orphanet 140162, MedGen C0027672, MeSH D009386, MONDO:0015356.
Lynch syndrome. Identifiers: Orphanet 144, MedGen C4552100, MONDO:0005835. Disease mechanism: loss of function.
Lynch syndrome 5 (LYNCH5). Also called: Hereditary non-polyposis colorectal cancer, type 5; Colorectal cancer, hereditary nonpolyposis, type 5. Identifiers: Orphanet 144, MedGen C1833477, MONDO:0013710, OMIM 614350. Disease mechanism: loss of function.

Allele frequency attached by ClinVar (database versions not stated): gnomAD exomes below 0.00001.
gnomAD v4.1: 2 of 1,614,180 alleles (0.00012%); highest among the groups gnomAD compares: South Asian, 0.0022%; no homozygotes.

Submissions (6):

Myriad Genetics, Inc.
Classification: Benign for Lynch syndrome 5. Last evaluated: 2025-01-08. Review status: criteria provided, single submitter. Criteria: Myriad Autosomal Dominant, Autosomal Recessive and X-Linked Classification Criteria (2023). Collection method: clinical testing. Allele origin: unknown.
Comment: This variant is considered benign. This variant is a silent/synonymous amino acid change and it is not expected to impact splicing.

All of Us Research Program, National Institutes of Health
Classification: Likely benign for Lynch syndrome. Last evaluated: 2023-10-06. Review status: criteria provided, single submitter. Criteria: ACMG Guidelines, 2015. Collection method: clinical testing. Allele origin: germline. Inheritance: Autosomal dominant inheritance. Observed: 1 variant allele, 1 heterozygote.
Comment: This study involves interpretation of variants in research participants for the purpose of population health screening. Participant phenotype was not available at the time of variant classification. Additional details can be found in publication PMID: 35346344, PMCID: PMC8962531

Labcorp Genetics (formerly Invitae), Labcorp
Classification: Likely benign for Hereditary nonpolyposis colorectal neoplasms. Last evaluated: 2022-09-06. Review status: criteria provided, single submitter. Criteria: Invitae Variant Classification Sherloc (09022015). Collection method: clinical testing. Allele origin: germline.

Color Diagnostics, LLC DBA Color Health
Classification: Likely benign for Hereditary cancer-predisposing syndrome. Last evaluated: 2017-08-02. Review status: criteria provided, single submitter. Criteria: ACMG Guidelines, 2015. Collection method: clinical testing. Allele origin: germline.

GeneDx
Classification: Likely benign. Last evaluated: 2016-05-26. Review status: criteria provided, single submitter. Criteria: GeneDx Variant Classification (06012015). Collection method: clinical testing. Allele origin: germline. Affected: yes.
Comment: This variant is considered likely benign or benign based on one or more of the following criteria: it is a conservative change, it occurs at a poorly conserved position in the protein, it is predicted to be benign by multiple in silico algorithms, and/or has population frequency not consistent with disease.

Ambry Genetics
Classification: Likely benign for Hereditary cancer-predisposing syndrome. Last evaluated: 2014-06-12. Review status: criteria provided, single submitter. Criteria: Ambry Variant Classification Scheme 2023. Collection method: clinical testing. Allele origin: germline.

NM_000179.3(MSH6):c.3792A>G (p.Leu1264=)

Gene: MSH6 (mutS homolog 6; plus strand). Cytogenetic location: 2p16.3.
Variant type: single nucleotide variant.
Coding change: c.3792A>G on transcript NM_000179.3 (MANE Select); coding-DNA position 3792, A replaced by G.
Protein change: p.Leu1264=; no amino-acid change (leucine 1264 retained).
Molecular consequence: synonymous variant.
Genome position (GRCh38, 1-based): chr2:47,806,349, A>G. VCF-style: chr2-47806349-A-G. GRCh37 (hg19) VCF-style: chr2-48033488-A-G.
Other names: c.3402A>G, p.Leu1134= (NM_001281492.2); c.2886A>G, p.Leu962= (NM_001281493.2, NM_001281494.2).
Identifiers: ClinVar variation 185280 (VCV000185280.14), dbSNP rs786202051, ClinGen allele CA014306.
Genomic context (GRCh38, chr2:47,806,349, plus strand): 5'-ATTTTCAACTCACTACCATTCATTAGTAGAAGATTATTCTCAAAATGTTGCTGTGCGCCT[A>G]GGACATATGGTATGTGCAAATTGTTTTTTTCCACAAATTCGGTTTTTTGAGAGGGCACTT-3'
Protein context (NP_000170.1, residues 1254-1274): EDYSQNVAVR[Leu1264=]GHMACMVENE